The following is an entry in ClinVar:

NM_024426.6(WT1):c.589C>T (p.Gln197Ter)

Genes: WT1 (WT1 transcription factor; minus strand), LOC107982234 (WT1/WT1-AS bi-directional promoter region; plus strand). Cytogenetic location: 11p13.
Variant type: single nucleotide variant.
Coding change: c.589C>T on transcript NM_024426.6 (MANE Select); coding-DNA position 589, C replaced by T.
Protein change: p.Gln197Ter; replaces glutamine 197 with a stop codon.
Molecular consequence: nonsense. On other transcripts: non-coding transcript variant (2).
Genome position (GRCh38, 1-based): chr11:32,434,772, G>A on the plus strand (C>T on the coding strand, the complement: WT1 is on the minus strand). VCF-style: chr11-32434772-G-A. GRCh37 (hg19) VCF-style: chr11-32456318-G-A.
Other names: c.589C>T, p.Gln197Ter (NM_000378.6, NM_001407044.1, NM_001407045.1 and 6 more transcripts); c.370C>T, p.Gln124Ter (NM_001429031.1, NM_001429032.1, NM_001429033.1 and 1 more transcripts); short protein forms Q197*, Q124*, Q192*.
Identifiers: ClinVar variation 4634848 (VCV004634848.1).
Genomic context (GRCh38, chr11:32,434,772, plus strand): 5'-TAGCGGGCTGGCTCTCGAGGCAGCTGGGCAGGTAGGGCGCGTTAGGAAACATCCTGGCCT[G>A]GCCGGATGACGCCTGGCTGGGCGGAGGAGGACCGAAGGGCCCGTAGCGACAGGCTCCGGC-3'

ClinVar aggregate classification (germline): Pathogenic (1 of 4 stars; one submission).

Conditions:
Inborn genetic diseases. Identifiers: MedGen C0950123, MeSH D030342.

Submission:

Ambry Genetics
Classification: Pathogenic for Inborn genetic diseases. Last evaluated: 2025-10-02. Review status: criteria provided, single submitter. Criteria: Ambry Variant Classification Scheme 2023. Collection method: clinical testing. Allele origin: germline.
Comment: The p.Q192* pathogenic mutation (also known as c.574C>T), located in coding exon 1 of the WT1 gene, results from a C to T substitution at nucleotide position 574. This changes the amino acid from a glutamine to a stop codon within coding exon 1. This variant is considered to be rare based on population cohorts in the Genome Aggregation Database (gnomAD). This alteration is expected to result in loss of function by premature protein truncation or nonsense-mediated mRNA decay. As such, this alteration is interpreted as a disease-causing mutation.